The following is an entry in ClinVar:

ClinVar aggregate classification (germline): Uncertain significance (1 of 4 stars; one submission).

Conditions:
Bardet-Biedl syndrome (BBS). Identifiers: Orphanet 110, MedGen C0752166, MONDO:0015229.

Submission:

Labcorp Genetics (formerly Invitae), Labcorp
Classification: Uncertain significance for Bardet-Biedl syndrome. Last evaluated: 2024-02-20. Review status: criteria provided, single submitter. Criteria: Invitae Variant Classification Sherloc (09022015). Collection method: clinical testing. Allele origin: germline.
Comment: This sequence change replaces isoleucine, which is neutral and non-polar, with serine, which is neutral and polar, at codon 249 of the BBS7 protein (p.Ile249Ser). This variant is not present in population databases (gnomAD no frequency). This variant has not been reported in the literature in individuals affected with BBS7-related conditions. ClinVar contains an entry for this variant (Variation ID: 2076542). Advanced modeling of protein sequence and biophysical properties (such as structural, functional, and spatial information, amino acid conservation, physicochemical variation, residue mobility, and thermodynamic stability) performed at Invitae indicates that this missense variant is not expected to disrupt BBS7 protein function with a negative predictive value of 80%. In summary, the available evidence is currently insufficient to determine the role of this variant in disease. Therefore, it has been classified as a Variant of Uncertain Significance.

NM_176824.3(BBS7):c.746T>G (p.Ile249Ser)

Gene: BBS7 (Bardet-Biedl syndrome 7; minus strand). Cytogenetic location: 4q27.
Variant type: single nucleotide variant.
Coding change: c.746T>G on transcript NM_176824.3 (MANE Select); coding-DNA position 746, T replaced by G.
Protein change: p.Ile249Ser; replaces isoleucine 249 with serine.
Molecular consequence: missense variant.
Genome position (GRCh38, 1-based): chr4:121,853,059, A>C on the plus strand (T>G on the coding strand, the complement: BBS7 is on the minus strand). VCF-style: chr4-121853059-A-C. GRCh37 (hg19) VCF-style: chr4-122774214-A-C.
Other names: c.746T>G, p.Ile249Ser (NM_018190.4); short protein forms I249S.
Identifiers: ClinVar variation 2076542 (VCV002076542.4), dbSNP rs767905893, ClinGen allele CA358064609.